The following is an entry in ClinVar:

NM_001166114.2(PNPLA6):c.3172C>T (p.Arg1058Cys)

Gene: PNPLA6 (patatin like domain 6, lysophospholipase; plus strand). Cytogenetic location: 19p13.2.
Variant type: single nucleotide variant.
Coding change: c.3172C>T on transcript NM_001166114.2 (MANE Select); coding-DNA position 3172, C replaced by T.
Protein change: p.Arg1058Cys; replaces arginine 1058 with cysteine.
Molecular consequence: missense variant.
Genome position (GRCh38, 1-based): chr19:7,556,531, C>T. VCF-style: chr19-7556531-C-T. GRCh37 (hg19) VCF-style: chr19-7621417-C-T.
Other names: c.2977C>T, p.Arg993Cys (NM_001166112.2); c.3058C>T, p.Arg1020Cys (NM_001166113.1, NM_006702.5); c.3202C>T, p.Arg1068Cys (NM_001166111.2); short protein forms R1020C, R1058C, R1068C, R993C.
Identifiers: ClinVar variation 1162827 (VCV001162827.9), dbSNP rs576986571, ClinGen allele CA304879956.
Genomic context (GRCh38, chr19:7,556,531, plus strand): 5'-GAACCTGTGTTGGACCTCACGTACCCAGTCACCTCCATGTTCACTGGGTCTGCCTTTAAC[C>T]GCAGCATCCATCGGGTCTTCCAGGATAAGCAGATTGAGGTAGGCCCACCTCATCCCCTGC-3'
Protein context (NP_001159586.1, residues 1048-1068): TSMFTGSAFN[Arg1058Cys]SIHRVFQDKQ

ClinVar aggregate classification (germline): Uncertain significance. Review status: criteria provided, multiple submitters, no conflicts (2 of 4 stars). 4 submissions from 4 submitters: Uncertain significance (4). Last evaluated 2025-01-22.

Conditions:
Hereditary spastic paraplegia 39 (SPG39). Also called: Spastic Paraplegia Type 39 (SPG39); SPASTIC PARAPLEGIA 39, AUTOSOMAL RECESSIVE. Identifiers: Orphanet 139480, MedGen C2677586, MONDO:0012787, OMIM 612020.
Inborn genetic diseases. Identifiers: MedGen C0950123, MeSH D030342.

Allele frequency attached by ClinVar (database versions not stated): gnomAD 0.00001; 1000 Genomes Project 30x 0.00016; 1000 Genomes Project 0.00020.
gnomAD v4.1: 11 of 1,613,656 alleles (0.00068%); highest among the groups gnomAD compares: East Asian, 0.0045%; no homozygotes.

Submissions (4):

3billion
Classification: Uncertain significance for Hereditary spastic paraplegia 39. Last evaluated: 2025-01-22. Review status: criteria provided, single submitter. Criteria: ACMG Guidelines, 2015. Collection method: clinical testing. Allele origin: germline. Affected: yes.
Comment: The variant is observed at an extremely low frequency in the gnomAD v4.1.0 dataset (total allele frequency: <0.001%). Predicted Consequence/Location: Missense variant In silico tool predictions suggest damaging effect of the variant on gene or gene product [REVEL: 0.69 (>=0.6, sensitivity 0.68 and specificity 0.92); 3Cnet: 0.58 (>=0.6, sensitivity 0.72 and precision 0.9)]. The variant has been reported as of uncertain significance (ClinVar ID: VCV001162827). Therefore, this variant is classified as VUS according to the recommendation of ACMG/AMP guideline.

Blueprint Genetics
Classification: Uncertain significance. Last evaluated: 2023-07-10. Review status: criteria provided, single submitter. Criteria: ACMG Guidelines, 2015. Collection method: clinical testing. Allele origin: germline.

Ambry Genetics
Classification: Uncertain significance for Inborn genetic diseases. Last evaluated: 2023-03-31. Review status: criteria provided, single submitter. Criteria: Ambry Variant Classification Scheme 2023. Collection method: clinical testing. Allele origin: germline.

Mayo Clinic Laboratories, Mayo Clinic
Classification: Uncertain significance. Last evaluated: 2020-06-03. Review status: criteria provided, single submitter. Criteria: ACMG Guidelines, 2015. Collection method: clinical testing. Allele origin: germline. Observed: 1 variant allele.